The following is an entry in ClinVar:

ClinVar aggregate classification (germline): Likely pathogenic (1 of 4 stars; one submission).

Conditions:
Stickler syndrome type 2 (STL2). Also called: STICKLER SYNDROME, TYPE II; STICKLER SYNDROME, BEADED VITREOUS TYPE; COL11A1-Related Stickler Syndrome; STICKLER SYNDROME, VITREOUS TYPE 2. Identifiers: Orphanet 828, Orphanet 90654, MedGen C1858084, MONDO:0011493, OMIM 604841.

Submission:

Illumina Laboratory Services, Illumina
Classification: Likely pathogenic for Stickler syndrome type 2. Last evaluated: 2023-04-12. Review status: criteria provided, single submitter. Criteria: ICSLVariantClassificationCriteria RUGD 01 April 2020. Collection method: clinical testing. Allele origin: unknown.
Comment: The COL11A1 c.3874_3892delinsT (p.Pro1292_Pro1298delinsSer) variant results in an in-frame deletion of six amino acids and the substitution of proline at amino acid position 1292 with serine. To our knowledge, this variant has not been reported in the peer-reviewed literature. This variant is not found in version 2.1.1 or version 3.1.2 of the Genome Aggregation Database. The p.Pro1292_Pro1298delinsSer variant lies within the triple helix domain of the protein, which interacts with similar domains in collagens encoded by COL2A1 and COL11A2 to form heterotrimeric type XI collagen (PMID: 35741851). Based on the available evidence, the c.3874_3892delinsT (p.Pro1292_Pro1298delinsSer) variant is classified as likely pathogenic for Stickler syndrome.

Literature cited by the submitters: PubMed 35741851.

NM_001854.4(COL11A1):c.3883_3892del (p.Ala1295fs)

Gene: COL11A1 (collagen type XI alpha 1 chain; minus strand). Cytogenetic location: 1p21.1.
Variant type: Deletion.
Coding change: c.3883_3892del on transcript NM_001854.4 (MANE Select); coding-DNA positions 3883 to 3892, 10 bases deleted (GCCAAGGGGC; older notation c.3883_3892delGCCAAGGGGC).
Protein change: p.Ala1295fs; shifts the reading frame from alanine 1295.
Molecular consequence: frameshift variant. On other transcripts: non-coding transcript variant (1).
Genome position (GRCh38, 1-based): chr1:102,914,736-102,914,745, GCCCCTTGGC deleted on the plus strand (GCCAAGGGGC on the coding strand, the reverse complement: COL11A1 is on the minus strand). VCF-style (leftmost placement, unchanged base first): chr1-102914735-GGCCCCTTGGC-G. GRCh37 (hg19) VCF-style: chr1-103380291-GGCCCCTTGGC-G.
Other names: c.3535_3544delGCCAAGGGGC, p.Ala1179Hisfs (NM_001168249.1); c.3766_3775del, p.Ala1256fs (NM_001190709.2); c.3919_3928del, p.Ala1307fs (NM_080629.3); c.3535_3544del, p.Ala1179fs (NM_080630.4); short protein forms A1179fs, A1256fs, A1295fs, A1307fs.
Identifiers: ClinVar variation 2572997 (VCV002572997.1), dbSNP rs2524484819, ClinGen allele CA2580612931.